The following is an entry in ClinVar:

Conditions:
Breast-ovarian cancer, familial, susceptibility to, 1 (BROVCA1). Also called: BRCA1 Hereditary Breast and Ovarian Cancer; OVARIAN CANCER, SUSCEPTIBILITY TO. Identifiers: Orphanet 145, MedGen C2676676, MONDO:0011450, OMIM 604370. Disease mechanism: loss of function.

Submission:

Brotman Baty Institute, University of Washington
No classification provided (evidence only). Condition: Breast-ovarian cancer, familial 1. Review status: no classification provided. Collection method: in vitro. Allele origin: not applicable. Functional consequence: functionally_normal.
ClinVar note: "not provided" was previously submitted as the classification for the variant. However, the classification appeared to be based only on an observation of functional data so it was converted to no classification on 2025-07-30.

NM_007294.4(BRCA1):c.4940A>C (p.Asn1647Thr)

Gene: BRCA1 (BRCA1 DNA repair associated; minus strand). Cytogenetic location: 17q21.31.
Variant type: single nucleotide variant.
Coding change: c.4940A>C on transcript NM_007294.4 (MANE Select); coding-DNA position 4940, A replaced by C.
Protein change: p.Asn1647Thr; replaces asparagine 1647 with threonine.
Molecular consequence: missense variant. On other transcripts: non-coding transcript variant (1).
Genome position (GRCh38, 1-based): chr17:43,070,974, T>G on the plus strand (A>C on the coding strand, the complement: BRCA1 is on the minus strand). VCF-style: chr17-43070974-T-G. GRCh37 (hg19) VCF-style: chr17-41222991-T-G.
Other names: c.4727A>C, p.Asn1576Thr (NM_001407571.1, NM_001407894.1, NM_001407895.1 and 12 more transcripts); c.5006A>C, p.Asn1669Thr (NM_001407581.1, NM_001407582.1); c.5003A>C, p.Asn1668Thr (NM_001407583.1, NM_001407585.1, NM_001407587.1 and 1 more transcripts); c.5000A>C, p.Asn1667Thr (NM_001407590.1, NM_001407591.1); c.4940A>C, p.Asn1647Thr (NM_001407593.1, NM_001407594.1, NM_001407596.1 and 8 more transcripts); c.4937A>C, p.Asn1646Thr (NM_001407618.1, NM_001407619.1, NM_001407620.1 and 17 more transcripts); c.4934A>C, p.Asn1645Thr (NM_001407637.1, NM_001407638.1, NM_001407639.1 and 14 more transcripts); c.4931A>C, p.Asn1644Thr (NM_001407644.1, NM_001407645.1); and 70 more; short protein forms N1647T, N543T, N1600T, N1668T, N1351T, N1535T, N1536T, N1580T.
Identifiers: ClinVar variation 865441 (VCV000865441.3), dbSNP rs2052370581, ClinGen allele CA10591645.